The following is an entry in ClinVar:

NM_020297.4(ABCC9):c.1904C>T (p.Thr635Ile)

Gene: ABCC9 (ATP binding cassette subfamily C member 9; minus strand). Cytogenetic location: 12p12.1.
Variant type: single nucleotide variant.
Coding change: c.1904C>T on transcript NM_020297.4 (MANE Select); coding-DNA position 1904, C replaced by T.
Protein change: p.Thr635Ile; replaces threonine 635 with isoleucine.
Molecular consequence: missense variant.
Genome position (GRCh38, 1-based): chr12:21,887,833, G>A on the plus strand (C>T on the coding strand, the complement: ABCC9 is on the minus strand). VCF-style: chr12-21887833-G-A. GRCh37 (hg19) VCF-style: chr12-22040767-G-A.
Other names: c.1904C>T, p.Thr635Ile (NM_001377273.1, NM_005691.4); c.1040C>T, p.Thr347Ile (NM_001377274.1); short protein forms T635I, T347I.
Identifiers: ClinVar variation 4135641 (VCV004135641.2).

ClinVar aggregate classification (germline): Uncertain significance. Review status: criteria provided, multiple submitters, no conflicts (2 of 4 stars). 2 submissions from 2 submitters: Uncertain significance (2). Last evaluated 2025-08-20.

Conditions:
Cardiovascular phenotype. Identifiers: MedGen CN230736.
Dilated cardiomyopathy 1O (CMD1O). Also called: CARDIOMYOPATHY, DILATED, WITH VENTRICULAR TACHYCARDIA. Identifiers: Orphanet 154, MedGen C1837839, MONDO:0012062, OMIM 608569.

gnomAD v4.1: 1 of 1,609,110 alleles (0.000062%); highest among the groups gnomAD compares: Non-Finnish European, 0.000085%; no homozygotes.

Submissions (2):

Ambry Genetics
Classification: Uncertain significance for Cardiovascular phenotype. Last evaluated: 2025-08-20. Review status: criteria provided, single submitter. Criteria: Ambry Variant Classification Scheme 2023. Collection method: clinical testing. Allele origin: germline.
Comment: Based on the available evidence, the clinical significance of this variant remains unclear.The p.T635I variant (also known as c.1904C>T), located in coding exon 13 of the ABCC9 gene, results from a C to T substitution at nucleotide position 1904. The threonine at codon 635 is replaced by isoleucine, an amino acid with similar properties. This amino acid position is well conserved in available vertebrate species. In addition, the in silico prediction for this alteration is inconclusive.

Labcorp Genetics (formerly Invitae), Labcorp
Classification: Uncertain significance for Dilated cardiomyopathy 1O. Last evaluated: 2025-02-18. Review status: criteria provided, single submitter. Criteria: Invitae Variant Classification Sherloc (09022015). Collection method: clinical testing. Allele origin: germline.
Comment: This sequence change replaces threonine, which is neutral and polar, with isoleucine, which is neutral and non-polar, at codon 635 of the ABCC9 protein (p.Thr635Ile). This variant is not present in population databases (gnomAD no frequency). This variant has not been reported in the literature in individuals affected with ABCC9-related conditions. Invitae Evidence Modeling of protein sequence and biophysical properties (such as structural, functional, and spatial information, amino acid conservation, physicochemical variation, residue mobility, and thermodynamic stability) indicates that this missense variant is not expected to disrupt ABCC9 protein function with a negative predictive value of 80%. In summary, the available evidence is currently insufficient to determine the role of this variant in disease. Therefore, it has been classified as a Variant of Uncertain Significance.